The following is an entry in ClinVar:

ClinVar aggregate classification (germline): Likely benign. Review status: criteria provided, multiple submitters, no conflicts (2 of 4 stars). 3 submissions from 3 submitters: Likely benign (3). Last evaluated 2024-12-22.

Conditions:
Lipodystrophy, partial, acquired, susceptibility to (APLD). Also called: APLD, SUSCEPTIBILITY TO. Identifiers: MedGen C3887501, MONDO:0100476, OMIM 608709.
Progressive myoclonic epilepsy type 9. Identifiers: Orphanet 457265, MedGen C4225289, MONDO:0014685, OMIM 616540.

Allele frequency attached by ClinVar (database versions not stated): gnomAD exomes 0.00002; ExAC 0.00004; gnomAD 0.00006 and 0.00007; ESP Exome Variant Server 0.00008; 1000 Genomes Project 30x 0.00016; 1000 Genomes Project 0.00020; TOPMed 0.00021.
gnomAD v4.1: 38 of 1,613,270 alleles (0.0024%); highest among the groups gnomAD compares: Admixed American, 0.025%; no homozygotes.

Submissions (3):

Labcorp Genetics (formerly Invitae), Labcorp
Classification: Likely benign for Progressive myoclonic epilepsy type 9; Lipodystrophy, partial, acquired, susceptibility to. Last evaluated: 2024-12-22. Review status: criteria provided, single submitter. Criteria: Invitae Variant Classification Sherloc (09022015). Collection method: clinical testing. Allele origin: germline.

CeGaT Center for Human Genetics Tuebingen
Classification: Likely benign. Last evaluated: 2023-05-01. Review status: criteria provided, single submitter. Criteria: CeGaT Center For Human Genetics Tuebingen Variant Classification Criteria Version 2. Collection method: clinical testing. Allele origin: germline. Affected: yes. Observed: 1 variant allele.
Comment: LMNB2: BP4, BP7

Breakthrough Genomics
Classification: Likely benign. Review status: criteria provided, single submitter. Criteria: ACMG Guidelines, 2015. Collection method: not provided. Allele origin: germline. Inheritance: Autosomal recessive inheritance. Affected: yes.

NM_032737.4(LMNB2):c.1137C>T (p.Asp379=)

Gene: LMNB2 (lamin B2; minus strand). Cytogenetic location: 19p13.3.
Variant type: single nucleotide variant.
Coding change: c.1137C>T on transcript NM_032737.4 (MANE Select); coding-DNA position 1137, C replaced by T.
Protein change: p.Asp379=; no amino-acid change (aspartic acid 379 retained).
Molecular consequence: synonymous variant.
Genome position (GRCh38, 1-based): chr19:2,434,360, G>A on the plus strand (C>T on the coding strand, the complement: LMNB2 is on the minus strand). VCF-style: chr19-2434360-G-A. GRCh37 (hg19) VCF-style: chr19-2434358-G-A.
Identifiers: ClinVar variation 714220 (VCV000714220.35), dbSNP rs144455343, ClinGen allele CA9067599.